The following is an entry in ClinVar:

ClinVar aggregate classification (germline): Pathogenic. Review status: criteria provided, multiple submitters, no conflicts (2 of 4 stars). 4 submissions from 4 submitters: Pathogenic (3). 1 of the submissions does not count toward it. Last evaluated 2024-10-29.

Conditions:
PRPH2-related disorder. Also called: PRPH2-related disorders; PRPH2-related condition. Identifiers: MedGen CN239395.
Retinitis pigmentosa (RP). Identifiers: Orphanet 791, MedGen C0035334, MeSH D012174, MONDO:0019200, OMIM 268000. Inheritance: Autosomal dominant, autosomal recessive and X linked inheritance.

Submissions (4):

Blueprint Genetics
Classification: Pathogenic for PRPH2-related disorders. Last evaluated: 2024-10-29. Review status: criteria provided, single submitter. Criteria: ACMG Guidelines, 2015. Collection method: clinical testing. Allele origin: germline. Affected: yes. Observed: 1 variant allele.

NEI Ophthalmic Genomics Laboratory, National Institutes of Health
Classification: Pathogenic for Retinitis pigmentosa. Last evaluated: 2020-01-07. Review status: criteria provided, single submitter. Criteria: ACMG Guidelines, 2015. Collection method: clinical testing. Allele origin: germline. Affected: yes.
Comment: The variant NM_000322.4:c.303C>G in the PRPH2 gene has not been reported to our knowledge. This variant is not listed in dbSNP and/or HGMD. It is absent in gnomAD browser. It is not enriched in the PRPH2 disease cohort. We invoked ACMG criteria [PVS1, PM2, PP5] and classified NM_000322.4:c.303C>G in the PRPH2 gene as a Pathogenic mutation.

GeneDx
Classification: Pathogenic. Last evaluated: 2015-08-06. Review status: criteria provided, single submitter. Criteria: GeneDx Variant Classification (06012015). Collection method: clinical testing. Allele origin: germline. Affected: yes.
Comment: The Y101X nonsense variant in the PRPH2 gene is predicted to cause loss of normal protein function eitherthrough protein truncation or nonsense-mediated mRNA decay. The Y101X variant was not observed inapproximately 6,500 individuals of European and African American ancestry in the NHLBI Exome SequencingProject, indicating it is not a common benign variant in these populations. Although this variant has not beenreported previously to our knowledge, we consider it to be pathogenic.

Leiden Open Variation Database
Classification: Likely pathogenic. Last evaluated: 2021-04-06. Review status: no assertion criteria provided. Collection method: curation. Allele origin: germline. Affected: yes. Not counted in ClinVar's aggregate classification.
Comment: Curator: Global Variome, with Curator vacancy. Submitter to LOVD: Manon Peeters.

Literature cited by the submitters: PubMed 32531846 (cited by Leiden Open Variation Database).

NM_000322.5(PRPH2):c.303C>G (p.Tyr101Ter)

Gene: PRPH2 (peripherin 2; minus strand). Cytogenetic location: 6p21.1.
Variant type: single nucleotide variant.
Coding change: c.303C>G on transcript NM_000322.5 (MANE Select); coding-DNA position 303, C replaced by G.
Protein change: p.Tyr101Ter; replaces tyrosine 101 with a stop codon.
Molecular consequence: nonsense.
Genome position (GRCh38, 1-based): chr6:42,722,032, G>C on the plus strand (C>G on the coding strand, the complement: PRPH2 is on the minus strand). VCF-style: chr6-42722032-G-C. GRCh37 (hg19) VCF-style: chr6-42689770-G-C.
Other names: short protein forms Y101*.
Identifiers: ClinVar variation 419667 (VCV000419667.5), dbSNP rs61755776, ClinGen allele CA16618287.